The following is an entry in ClinVar:

ClinVar aggregate classification (germline): Likely benign (1 of 4 stars; one submission).

Submission:

GeneDx
Classification: Likely benign. Last evaluated: 2017-04-25. Review status: criteria provided, single submitter. Criteria: GeneDx Variant Classification (06012015). Collection method: clinical testing. Allele origin: germline. Affected: yes.
Comment: This variant is considered likely benign or benign based on one or more of the following criteria: it is a conservative change, it occurs at a poorly conserved position in the protein, it is predicted to be benign by multiple in silico algorithms, and/or has population frequency not consistent with disease.

NM_017775.4(TTC19):c.184+6G>C

Genes: TTC19 (tetratricopeptide repeat domain 19; plus strand), LOC130060311 (ATAC-STARR-seq lymphoblastoid silent region 8214; plus strand). Cytogenetic location: 17p12.
Variant type: single nucleotide variant.
Coding change: c.184+6G>C on transcript NM_017775.4 (MANE Select); 6 bases into the intron after coding-DNA position 184, G replaced by C.
Molecular consequence: intron variant.
Genome position (GRCh38, 1-based): chr17:16,000,038, G>C. VCF-style: chr17-16000038-G-C. GRCh37 (hg19) VCF-style: chr17-15903352-G-C.
Other names: c.-275+6G>C (NM_001271420.2).
Identifiers: ClinVar variation 508828 (VCV000508828.1), dbSNP rs1555528537, ClinGen allele CA658798718.